The following is an entry in ClinVar:

ClinVar aggregate classification (germline): Pathogenic (1 of 4 stars; one submission).

Submission:

GeneDx
Classification: Pathogenic. Last evaluated: 2017-12-29. Review status: criteria provided, single submitter. Criteria: GeneDx Variant Classification (06012015). Collection method: clinical testing. Allele origin: germline. Affected: yes.
Comment: The c.467dupT pathogenic variant in the DCX gene causes a frameshift starting with codon Methionine 156, changes this amino acid to a Isoleucine residue and creates a premature Stop codon at position 9 of the new reading frame, denoted p.M156IfsX9. This pathogenic variant is predicted to cause loss of normal protein function either through protein truncation or nonsense-mediated mRNA decay. Although this pathogenic variant has not been previously reported to our knowledge, other frameshift variants have been reported in Human Gene Mutation Database in association with DCX-related disorders (Stenson et al., 2014).

NM_001195553.2(DCX):c.467dup (p.Met156fs)

Gene: DCX (doublecortin; minus strand). Cytogenetic location: Xq23.
Variant type: Duplication.
Coding change: c.467dup on transcript NM_001195553.2 (MANE Select); coding-DNA position 467, one base duplicated (T; older notation c.467dupT).
Protein change: p.Met156fs; shifts the reading frame from methionine 156.
Molecular consequence: frameshift variant.
Genome position (GRCh38, 1-based): chrX:111,401,228, A duplicated on the plus strand (T on the coding strand, the reverse complement: DCX is on the minus strand). VCF-style (leftmost placement, unchanged base first): chrX-111401227-C-CA. GRCh37 (hg19) VCF-style: chrX-110644455-C-CA.
Other names: c.710dup, p.Met237fs (NM_000555.3); c.467dup, p.Met156fs (NM_001369370.1, NM_001369371.1, NM_001369372.1 and 5 more transcripts); short protein forms M237fs, M156fs.
Identifiers: ClinVar variation 280550 (VCV000280550.2), dbSNP rs886041736, ClinGen allele CA10603401.